The following is an entry in ClinVar:

NM_004656.4(BAP1):c.1544A>G (p.Asn515Ser)

Gene: BAP1 (BRCA1 associated deubiquitinase 1; minus strand). Cytogenetic location: 3p21.1.
Variant type: single nucleotide variant.
Coding change: c.1544A>G on transcript NM_004656.4 (MANE Select); coding-DNA position 1544, A replaced by G.
Protein change: p.Asn515Ser; replaces asparagine 515 with serine.
Molecular consequence: missense variant.
Genome position (GRCh38, 1-based): chr3:52,403,601, T>C on the plus strand (A>G on the coding strand, the complement: BAP1 is on the minus strand). VCF-style: chr3-52403601-T-C. GRCh37 (hg19) VCF-style: chr3-52437617-T-C.
Other names: short protein forms N515S.
Identifiers: ClinVar variation 1403066 (VCV001403066.8), dbSNP rs2153226674, ClinGen allele CA353100754.

ClinVar aggregate classification (germline): Uncertain significance. Review status: criteria provided, multiple submitters, no conflicts (2 of 4 stars). 2 submissions from 2 submitters: Uncertain significance (2). Last evaluated 2025-03-04.

Conditions:
BAP1-related tumor predisposition syndrome (TPDS1). Also called: Tumor susceptibility linked to germline BAP1 mutations; BAP1 tumor predisposition syndrome; COMMON Syndrome; TUMOR PREDISPOSITION SYNDROME 1. Identifiers: Orphanet 289539, MedGen C3280492, MONDO:0013692, OMIM 614327.

Submissions (2):

Center for Genomic Medicine, Rigshospitalet, Copenhagen University Hospital
Classification: Uncertain significance. Last evaluated: 2025-03-04. Review status: criteria provided, single submitter. Criteria: ACMG Guidelines, 2015. Collection method: clinical testing. Allele origin: germline.

Labcorp Genetics (formerly Invitae), Labcorp
Classification: Uncertain significance for BAP1-related tumor predisposition syndrome. Last evaluated: 2021-08-28. Review status: criteria provided, single submitter. Criteria: Invitae Variant Classification Sherloc (09022015). Collection method: clinical testing. Allele origin: germline.
Comment: In summary, the available evidence is currently insufficient to determine the role of this variant in disease. Therefore, it has been classified as a Variant of Uncertain Significance. Algorithms developed to predict the effect of missense changes on protein structure and function (SIFT, PolyPhen-2, Align-GVGD) all suggest that this variant is likely to be tolerated. This variant has not been reported in the literature in individuals affected with BAP1-related conditions. This variant is not present in population databases (ExAC no frequency). This sequence change replaces asparagine with serine at codon 515 of the BAP1 protein (p.Asn515Ser). The asparagine residue is moderately conserved and there is a small physicochemical difference between asparagine and serine.